The following is an entry in ClinVar:

ClinVar aggregate classification (germline): Likely benign (1 of 4 stars; one submission).

Submission:

GeneDx
Classification: Likely benign. Last evaluated: 2020-05-11. Review status: criteria provided, single submitter. Criteria: GeneDx Variant Classification Process June 2021. Collection method: clinical testing. Allele origin: germline. Affected: yes.
Comment: Not observed in large population cohorts (Lek et al., 2016); In silico analysis supports that this missense variant does not alter protein structure/function; Has not been previously published as pathogenic or benign to our knowledge

NM_181672.3(OGT):c.1567A>G (p.Ile523Val)

Gene: OGT (O-linked N-acetylglucosamine (GlcNAc) transferase; plus strand). Cytogenetic location: Xq13.1.
Variant type: single nucleotide variant.
Coding change: c.1567A>G on transcript NM_181672.3 (MANE Select); coding-DNA position 1567, A replaced by G.
Protein change: p.Ile523Val; replaces isoleucine 523 with valine.
Molecular consequence: missense variant.
Genome position (GRCh38, 1-based): chrX:71,557,637, A>G. VCF-style: chrX-71557637-A-G. GRCh37 (hg19) VCF-style: chrX-70777487-A-G.
Other names: c.1537A>G, p.Ile513Val (NM_181673.3); short protein forms I513V, I523V.
Identifiers: ClinVar variation 1300465 (VCV001300465.2), dbSNP rs2147684242, ClinGen allele CA413554653.